The following is an entry in ClinVar:

ClinVar aggregate classification (germline): Uncertain significance (1 of 4 stars; one submission).

gnomAD v4.1: 5 of 1,210,501 alleles (0.00041%); highest among the groups gnomAD compares: African/African-American, 0.0017%; no homozygotes.

Submission:

GeneDx
Classification: Uncertain significance. Last evaluated: 2024-08-20. Review status: criteria provided, single submitter. Criteria: GeneDx Variant Classification Process June 2021. Collection method: clinical testing. Allele origin: germline. Affected: yes.
Comment: Not observed at significant frequency in large population cohorts (gnomAD); In silico analysis supports that this missense variant has a deleterious effect on protein structure/function; Has not been previously published as pathogenic or benign to our knowledge

NM_012310.5(KIF4A):c.1796G>A (p.Arg599His)

Gene: KIF4A (kinesin family member 4A; plus strand). Cytogenetic location: Xq13.1.
Variant type: single nucleotide variant.
Coding change: c.1796G>A on transcript NM_012310.5 (MANE Select); coding-DNA position 1796, G replaced by A.
Protein change: p.Arg599His; replaces arginine 599 with histidine.
Molecular consequence: missense variant.
Genome position (GRCh38, 1-based): chrX:70,375,221, G>A. VCF-style: chrX-70375221-G-A. GRCh37 (hg19) VCF-style: chrX-69595071-G-A.
Other names: short protein forms R599H.
Identifiers: ClinVar variation 3764384 (VCV003764384.1).
Genomic context (GRCh38, chrX:70,375,221, plus strand): 5'-CTTTGCTGCTGGTAGTCCTCACTTCTACAGCATCTGTGTTTAGGTTGAGTGAGCGCCGCC[G>A]CAAACGTCTCCAGGAGCTGGAGGGTCAAATTGCTGATCTGAAGAAGAAACTGAATGAGCA-3'
Protein context (NP_036442.3, residues 589-609): ANQAKLSERR[Arg599His]KRLQELEGQI